The following is an entry in ClinVar:

NM_017934.7(PHIP):c.4239C>T (p.Phe1413=)

Genes: IRAK1BP1 (interleukin 1 receptor associated kinase 1 binding protein 1; plus strand), PHIP (PHIP subunit of CUL4-Ring ligase complex; minus strand). Cytogenetic location: 6q14.1.
Variant type: single nucleotide variant.
Coding change: c.4239C>T on transcript NM_017934.7 (MANE Select); coding-DNA position 4239, C replaced by T.
Protein change: p.Phe1413=; no amino-acid change (phenylalanine 1413 retained).
Molecular consequence: synonymous variant.
Genome position (GRCh38, 1-based): chr6:78,946,842, G>A on the plus strand (C>T on the coding strand, the complement: PHIP is on the minus strand). VCF-style: chr6-78946842-G-A. GRCh37 (hg19) VCF-style: chr6-79656559-G-A.
Other names: c.4239C>T (NM_017934.6).
Identifiers: ClinVar variation 2160807 (VCV002160807.6), dbSNP rs766384766, ClinGen allele CA3899484.

ClinVar aggregate classification (germline): Likely benign. Review status: criteria provided, single submitter (1 of 4 stars). 2 submissions from 2 submitters: Likely benign (1). 1 of the submissions does not count toward it. Last evaluated 2025-03-19.

Conditions:
PHIP-related disorder. Also called: PHIP-related condition; PHIP-related disorders.

Allele frequency attached by ClinVar (database versions not stated): gnomAD exomes 0.00001; ExAC 0.00005.
gnomAD v4.1: 12 of 1,578,006 alleles (0.00076%); highest among the groups gnomAD compares: Admixed American, 0.02%; no homozygotes.

Submissions (2):

Labcorp Genetics (formerly Invitae), Labcorp
Classification: Likely benign. Last evaluated: 2025-03-19. Review status: criteria provided, single submitter. Criteria: Invitae Variant Classification Sherloc (09022015). Collection method: clinical testing. Allele origin: germline.

PreventionGenetics, part of Exact Sciences
Classification: Likely benign for PHIP-related condition. Last evaluated: 2021-06-01. Review status: no assertion criteria provided. Collection method: clinical testing. Allele origin: germline. Not counted in ClinVar's aggregate classification.
Comment: This variant is classified as likely benign based on ACMG/AMP sequence variant interpretation guidelines (Richards et al. 2015 PMID: 25741868, with internal and published modifications).